The following is an entry in ClinVar:

ClinVar aggregate classification (germline): Uncertain significance. Review status: criteria provided, multiple submitters, no conflicts (2 of 4 stars). 3 submissions from 3 submitters: Uncertain significance (3). Last evaluated 2024-06-17.

Conditions:
Intellectual developmental disorder with hypertelorism and distinctive facies. Identifiers: MedGen C4748381, MONDO:0029143, OMIM 618147.

gnomAD v4.1: 218 of 1,613,876 alleles (0.014%); highest among the groups gnomAD compares: Non-Finnish European, 0.018%; no homozygotes.

Submissions (3):

Ambry Genetics
Classification: Uncertain significance. Last evaluated: 2024-06-17. Review status: criteria provided, single submitter. Criteria: Ambry Variant Classification Scheme 2023. Collection method: clinical testing. Allele origin: germline.

GeneDx
Classification: Uncertain significance. Last evaluated: 2022-03-31. Review status: criteria provided, single submitter. Criteria: GeneDx Variant Classification Process June 2021. Collection method: clinical testing. Allele origin: germline. Affected: yes.
Comment: In silico analysis supports that this missense variant does not alter protein structure/function; Has not been previously published as pathogenic or benign to our knowledge; Variants in candidate genes are classified as variants of uncertain significance in accordance with ACMG guidelines (Richards et al., 2015)

Department of Pathology and Laboratory Medicine, Sinai Health System
Classification: Uncertain significance for intellectual developmental disorder with hypertelorism and distinctive facies. Last evaluated: 2021-10-21. Review status: criteria provided, single submitter. Criteria: ACMG Guidelines, 2015. Collection method: research. Allele origin: germline.

NM_001099402.2(CCNK):c.997G>T (p.Val333Phe)

Genes: CCDC85C (coiled-coil domain containing 85C; minus strand), CCNK (cyclin K; plus strand). Cytogenetic location: 14q32.2.
Variant type: single nucleotide variant.
Coding change: c.997G>T on transcript NM_001099402.2 (MANE Select); coding-DNA position 997, G replaced by T.
Protein change: p.Val333Phe; replaces valine 333 with phenylalanine.
Molecular consequence: missense variant. On other transcripts: 3 prime UTR variant (1).
Genome position (GRCh38, 1-based): chr14:99,502,970, G>T. VCF-style: chr14-99502970-G-T. GRCh37 (hg19) VCF-style: chr14-99969307-G-T.
Other names: c.*12276C>A (NM_001144995.2); short protein forms V333F.
Identifiers: ClinVar variation 3264574 (VCV003264574.3).
Genomic context (GRCh38, chr14:99,502,970, plus strand): 5'-CAGCAGCAGCCAGCCCAACAGCCCAAGAAACCCTCTCCGCAGCCCAGTTCTCCCCGACAG[G>T]TTAAGCGAGCCGTGGTGAGTGGGCTAAAGCAGGCCCTGGGTAGAGCAGGCTTTCCAGGTG-3'
Protein context (NP_001092872.1, residues 323-343): PSPQPSSPRQ[Val333Phe]KRAVVVSPKE